The following is an entry in ClinVar:

NM_005573.4(LMNB1):c.512C>A (p.Ala171Asp)

Gene: LMNB1 (lamin B1; plus strand). Cytogenetic location: 5q23.2.
Variant type: single nucleotide variant.
Coding change: c.512C>A on transcript NM_005573.4 (MANE Select); coding-DNA position 512, C replaced by A.
Protein change: p.Ala171Asp; replaces alanine 171 with aspartic acid.
Molecular consequence: missense variant. On other transcripts: 5 prime UTR variant (1), non-coding transcript variant (2).
Genome position (GRCh38, 1-based): chr5:126,804,928, C>A. VCF-style: chr5-126804928-C-A. GRCh37 (hg19) VCF-style: chr5-126140620-C-A.
Other names: c.-119C>A (NM_001198557.2); short protein forms A171D.
Identifiers: ClinVar variation 4532711 (VCV004532711.1).

ClinVar aggregate classification (germline): Uncertain significance (1 of 4 stars; one submission).

Submission:

GeneDx
Classification: Uncertain significance. Last evaluated: 2025-05-30. Review status: criteria provided, single submitter. Criteria: GeneDx Variant Classification Process June 2021. Collection method: clinical testing. Allele origin: germline. Affected: yes.
Comment: Not observed at significant frequency in large population cohorts (gnomAD); In silico analysis supports that this missense variant has a deleterious effect on protein structure/function; Has not been previously published as pathogenic or benign to our knowledge